The following is an entry in ClinVar:

NM_001127222.2(CACNA1A):c.6448C>T (p.Arg2150Trp)

Gene: CACNA1A (calcium voltage-gated channel subunit alpha1 A; minus strand). Cytogenetic location: 19p13.13.
Variant type: single nucleotide variant.
Coding change: c.6448C>T on transcript NM_001127222.2 (MANE Select); coding-DNA position 6448, C replaced by T.
Protein change: p.Arg2150Trp; replaces arginine 2150 with tryptophan.
Molecular consequence: missense variant.
Genome position (GRCh38, 1-based): chr19:13,209,390, G>A on the plus strand (C>T on the coding strand, the complement: CACNA1A is on the minus strand). VCF-style: chr19-13209390-G-A. GRCh37 (hg19) VCF-style: chr19-13320204-G-A.
Other names: c.6451C>T (NM_000068.2); c.6466C>T, p.Arg2156Trp (NM_000068.4, NM_023035.3); c.6451C>T, p.Arg2151Trp (NM_001127221.2); c.6457C>T, p.Arg2153Trp (NM_001174080.2); c.6448C>T (NM_001127222.1); short protein forms R2151W, R2150W, R2156W, R2153W.
Identifiers: ClinVar variation 581574 (VCV000581574.51), dbSNP rs756780624, ClinGen allele CA9239363.
Genomic context (GRCh38, chr19:13,209,390, plus strand): 5'-AGCGGCCCAGGGAGCGCTCAGAGGCGCGGTGGCTGCGGTCGCGGCGCCGCTGGTGGTGCC[G>A]CTGGTTCTCCTCGGGCGGGACCCGCTCCAGCGAGTAATCGTCCAGGCGTCGGGCCTTGGG-3'
Protein context (NP_001120694.1, residues 2140-2160): LERVPPEENQ[Arg2150Trp]HHQRRRDRSH

ClinVar aggregate classification (germline): Conflicting classifications of pathogenicity. Review status: criteria provided, conflicting classifications (1 of 4 stars). 6 submissions from 6 submitters: Uncertain significance (2); Likely benign (3). 1 of the submissions does not count toward it. Last evaluated 2025-11-10.

Conditions:
Inborn genetic diseases. Identifiers: MedGen C0950123, MeSH D030342.
CACNA1A-related disorder. Also called: CACNA1A-related condition.
Developmental and epileptic encephalopathy, 42 (DEE42A). Also called: DEVELOPMENTAL AND EPILEPTIC ENCEPHALOPATHY 42A; Epileptic encephalopathy, early infantile, 42; EPILEPTIC ENCEPHALOPATHY, EARLY INFANTILE, 42A. Identifiers: MedGen C4310716, MONDO:0014917, OMIM 617106.
Episodic ataxia type 2 (EA2). Also called: ATAXIA, EPISODIC, WITH NYSTAGMUS; ATAXIA, FAMILIAL PAROXYSMAL; CEREBELLAR ATAXIA, PAROXYSMAL, ACETAZOLAMIDE-RESPONSIVE; CEREBELLOPATHY, HEREDITARY PAROXYSMAL; EPISODIC ATAXIA, NYSTAGMUS-ASSOCIATED; ACETAZOLAMIDE-RESPONSIVE HEREDITARY PAROXYSMAL CEREBELLAR ATAXIA. Identifiers: Orphanet 97, MedGen C1720416, MONDO:0007163, OMIM 108500.

Allele frequency attached by ClinVar (database versions not stated): TOPMed 0.00002; gnomAD 0.00003; gnomAD exomes 0.00005 and 0.00015; ExAC 0.00016.
gnomAD v4.1: 189 of 1,401,216 alleles (0.013%); highest among the groups gnomAD compares: East Asian, 0.51%; 1 homozygote.

Submissions (6):

Labcorp Genetics (formerly Invitae), Labcorp
Classification: Likely benign for Developmental and epileptic encephalopathy, 42; Episodic ataxia type 2. Last evaluated: 2025-11-10. Review status: criteria provided, single submitter. Criteria: Invitae Variant Classification Sherloc (09022015). Collection method: clinical testing. Allele origin: germline.

Athena Diagnostics
Classification: Likely benign. Last evaluated: 2025-07-10. Review status: criteria provided, single submitter. Criteria: Athena Diagnostics Criteria. Collection method: clinical testing. Allele origin: unknown.
Comment: The frequency of this variant in the general population is higher than would generally be expected for pathogenic variants in this gene. Computational tools predict this amino acid change may be benign.

Ambry Genetics
Classification: Likely benign for Inborn genetic diseases. Last evaluated: 2025-06-26. Review status: criteria provided, single submitter. Criteria: Ambry Variant Classification Scheme 2023. Collection method: clinical testing. Allele origin: germline.

CeGaT Center for Human Genetics Tuebingen
Classification: Uncertain significance. Last evaluated: 2019-10-01. Review status: criteria provided, single submitter. Criteria: CeGaT Center For Human Genetics Tuebingen Variant Classification Criteria Version 2. Collection method: clinical testing. Allele origin: germline. Affected: yes. Observed: 1 variant allele.

GeneDx
Classification: Uncertain significance. Last evaluated: 2019-08-01. Review status: criteria provided, single submitter. Criteria: GeneDx Variant Classification Process June 2021. Collection method: clinical testing. Allele origin: germline. Affected: yes.
Comment: Not observed at a significant frequency in large population cohorts (Lek et al., 2016); In silico analysis, which includes protein predictors and evolutionary conservation, supports a deleterious effect; Has not been previously published as pathogenic or benign to our knowledge

PreventionGenetics, part of Exact Sciences
Classification: Likely benign for CACNA1A-related condition. Last evaluated: 2023-03-27. Review status: no assertion criteria provided. Collection method: clinical testing. Allele origin: germline. Not counted in ClinVar's aggregate classification.
Comment: This variant is classified as likely benign based on ACMG/AMP sequence variant interpretation guidelines (Richards et al. 2015 PMID: 25741868, with internal and published modifications).

Literature cited by the submitters: PubMed 31440721 (cited by Athena Diagnostics).